The following is an entry in ClinVar:

NM_000484.4(APP):c.1846G>A (p.Asp616Asn)

Gene: APP (amyloid beta precursor protein; minus strand). Cytogenetic location: 21q21.3.
Variant type: single nucleotide variant.
Coding change: c.1846G>A on transcript NM_000484.4 (MANE Select); coding-DNA position 1846, G replaced by A.
Protein change: p.Asp616Asn; replaces aspartic acid 616 with asparagine.
Molecular consequence: missense variant.
Genome position (GRCh38, 1-based): chr21:25,911,804, C>T on the plus strand (G>A on the coding strand, the complement: APP is on the minus strand). VCF-style: chr21-25911804-C-T. GRCh37 (hg19) VCF-style: chr21-27284116-C-T.
Other names: c.1678G>A, p.Asp560Asn (NM_001136130.3, NM_001385253.1); c.1516G>A, p.Asp506Asn (NM_001136131.3); c.1846G>A, p.Asp616Asn (NM_001204301.2); c.1789G>A, p.Asp597Asn (NM_001204302.2, NM_201413.3); c.1621G>A, p.Asp541Asn (NM_001204303.2, NM_201414.3); c.1774G>A, p.Asp592Asn (NM_001136016.3); c.1453G>A, p.Asp485Asn (NM_001136129.3); short protein forms D485N, D506N, D541N, D560N, D592N, D597N, D616N.
Identifiers: ClinVar variation 3339250 (VCV003339250.4).

ClinVar aggregate classification (germline): Uncertain significance. Review status: criteria provided, single submitter (1 of 4 stars). 2 submissions from 2 submitters: Uncertain significance (1). 1 of the submissions does not count toward it. Last evaluated 2025-04-28.

Conditions:
Alzheimer disease type 1 (AD1). Also called: ALZHEIMER DISEASE, FAMILIAL, 1; ALZHEIMER DISEASE, FAMILIAL, 1, AUTOSOMAL RECESSIVE. Identifiers: MedGen C1863052, MONDO:0007088, OMIM 104300.

gnomAD v4.1: 11 of 1,613,990 alleles (0.00068%); highest among the groups gnomAD compares: Non-Finnish European, 0.00093%; no homozygotes.

Submissions (2):

Women's Health and Genetics/Laboratory Corporation of America, LabCorp
Classification: Uncertain significance. Last evaluated: 2025-04-28. Review status: criteria provided, single submitter. Criteria: LabCorp Variant Classification Summary - May 2015. Collection method: clinical testing. Allele origin: germline.
Comment: Variant summary: APP c.1846G>A (p.Asp616Asn) results in a conservative amino acid change in the encoded protein sequence. Three of five in-silico tools predict a benign effect of the variant on protein function. The variant allele was found at a frequency of 2.4e-05 in 251472 control chromosomes. The available data on variant occurrences in the general population are insufficient to allow any conclusion about variant significance. c.1846G>A has been observed in the presumed heterozygous state in at least 2 individual(s) affected with clinical features of Alzheimer disease (example: Rehker_2017, Wang_2024). These report(s) do not provide unequivocal conclusions about association of the variant with APP-related conditions. To our knowledge, no experimental evidence demonstrating an impact on protein function has been reported. The following publications have been ascertained in the context of this evaluation (PMID: 28985224, 37961373). ClinVar contains an entry for this variant (Variation ID: 3339250). Based on the evidence outlined above, the variant was classified as uncertain significance.

Medical Genetics Unit, Mauro Baschirotto Institute for Rare Disease
Classification: Uncertain significance for Alzheimer disease type 1. Last evaluated: 2026-04-20. Review status: no assertion criteria provided. Collection method: clinical testing. Allele origin: germline. Affected: yes. Observed: 1 variant allele. Not counted in ClinVar's aggregate classification.
Comment: This variant was interpreted by the AD-FTD Italian Consortium, including the following participating institutions: Mauro Baschirotto Institute for Rare Disease, Medical Genetics Unit (Dr Paola de Gemmis, Dr Daniela Segat, Dr Chiara Stefani); Neurology Unit, Department of Biomedicine, Neurosciences and Advanced Diagnostics, University of Palermo, Italy (Dr Tommaso Piccoli); Neurology Unit, Santa Maria della Misericordia Hospital, Perugia, Italy (Dr Lorenzo Gaetani). The participating laboratories jointly contributed to patient recruitment, clinical data collection, and variant interpretation and classification. The c.1846G>A;p.Asp616Asn variant in APP results in the substitution of an aspartic acid with an asparagine at codon 616 of the encoded protein. This is a non-synonymous (missense) change that alters the amino acid sequence of the APP protein. No additional functional or mechanistic data specific to this amino acid substitution are available. APP encodes the amyloid precursor protein, a type I transmembrane glycoprotein that undergoes complex proteolytic processing by several secretases, generating multiple peptide fragments, including amyloid-β peptides. These peptides can aggregate and are central to the pathobiology of Alzheimer disease. APP is widely expressed in the central nervous system and peripheral tissues and is involved in neuronal development, synapse formation and maintenance, neurite outgrowth, and cell–cell interaction. Proteolytic fragments of APP have been implicated in synaptic plasticity, neuroprotection, and regulation of cell signaling pathways. Germline pathogenic variants in APP are known to cause autosomal dominant forms of early-onset Alzheimer disease, and APP dosage alterations are also implicated in Alzheimer disease risk. According to available annotation, c.1846G>A) is a missense variant located in exon 14 and is reported in gnomAD with an overall allele frequency of 0.000680%, with no homozygous individuals observed. Computational prediction scores include: SIFT prediction (uncertain, score 0.027), FATHMM prediction (uncertain, score -3.96) and REVEL (uncertain, score 0.4). The variant is reported in ClinVar with 1 submission, all classifying it as of uncertain significance. Taken together all of these data suggest an uncertain significance classification for this variant.

Literature cited by the submitters: PubMed 28985224 (cited by Women's Health and Genetics/Laboratory Corporation of America, LabCorp); PubMed 37961373 (cited by Women's Health and Genetics/Laboratory Corporation of America, LabCorp).